The following is an entry in ClinVar:

ClinVar aggregate classification (germline): Benign/Likely benign. Review status: criteria provided, multiple submitters, no conflicts (2 of 4 stars). 6 submissions from 6 submitters: Benign (3); Likely benign (3). Last evaluated 2025-12-29.

Conditions:
RASopathy. Also called: Noonan spectrum disorder; rasopathies. Identifiers: Orphanet 536391, MedGen C5555857, MONDO:0021060.

Allele frequency attached by ClinVar (database versions not stated): gnomAD 0.00013 and 0.00015; gnomAD exomes 0.00018 and 0.00033; TOPMed 0.00021; ExAC 0.00030.
gnomAD v4.1: 289 of 1,613,620 alleles (0.018%); highest among the groups gnomAD compares: South Asian, 0.18%; 5 homozygotes.

Submissions (6):

Labcorp Genetics (formerly Invitae), Labcorp
Classification: Benign for RASopathy. Last evaluated: 2025-12-29. Review status: criteria provided, single submitter. Criteria: Invitae Variant Classification Sherloc (09022015). Collection method: clinical testing. Allele origin: germline.

Blueprint Genetics
Classification: Likely benign. Last evaluated: 2024-06-10. Review status: criteria provided, single submitter. Criteria: ACMG Guidelines, 2015. Collection method: clinical testing. Allele origin: germline.

CeGaT Center for Human Genetics Tuebingen
Classification: Benign. Last evaluated: 2022-11-01. Review status: criteria provided, single submitter. Criteria: CeGaT Center For Human Genetics Tuebingen Variant Classification Criteria Version 2. Collection method: clinical testing. Allele origin: germline. Affected: yes. Observed: 3 variant alleles.
Comment: BRAF: BS1, BS2

Women's Health and Genetics/Laboratory Corporation of America, LabCorp
Classification: Benign. Last evaluated: 2021-10-17. Review status: criteria provided, single submitter. Criteria: LabCorp Variant Classification Summary - May 2015. Collection method: clinical testing. Allele origin: germline.

Breakthrough Genomics
Classification: Likely benign. Review status: criteria provided, single submitter. Criteria: ACMG Guidelines, 2015. Collection method: not provided. Allele origin: germline. Inheritance: Autosomal dominant inheritance. Affected: yes.

PreventionGenetics, part of Exact Sciences
Classification: Likely benign. Review status: criteria provided, single submitter. Criteria: ACMG Guidelines, 2015. Collection method: clinical testing. Allele origin: germline.

NM_004333.6(BRAF):c.504+17A>G

Gene: BRAF (B-Raf proto-oncogene, serine/threonine kinase; minus strand). Cytogenetic location: 7q34.
Variant type: single nucleotide variant.
Coding change: c.504+17A>G on transcript NM_004333.6 (MANE Select); 17 bases into the intron after coding-DNA position 504, A replaced by G.
Molecular consequence: intron variant.
Genome position (GRCh38, 1-based): chr7:140,834,592, T>C on the plus strand (A>G on the coding strand, the complement: BRAF is on the minus strand). VCF-style: chr7-140834592-T-C. GRCh37 (hg19) VCF-style: chr7-140534392-T-C.
Other names: c.504+17A>G (NM_001378474.1, NM_001378471.1, NM_001378468.1 and 5 more transcripts); c.402+17A>G (NM_001378470.1); c.240+15519A>G (NM_001378475.1); c.348+17A>G (NM_001378472.1, NM_001378473.1).
Identifiers: ClinVar variation 259290 (VCV000259290.43), dbSNP rs201797624, ClinGen allele CA4516967.
Genomic context (GRCh38, chr7:140,834,592, plus strand): 5'-ATATATTAATTTTCAACAACTGATCTGTCTGAAAAATACAAAGAAACAGCAAAATGGTGA[T>C]ATTAAAACTGACTCACCACTGTCCTCTGTTTGTTGGGCAGGAAGACTCTAACGATAGGTT-3'